The following is an entry in ClinVar:

ClinVar aggregate classification (germline): Likely pathogenic. Review status: criteria provided, single submitter (1 of 4 stars). 2 submissions from 2 submitters: Likely pathogenic (1). 1 of the submissions does not count toward it.

Conditions:
FADD-related immunodeficiency. Also called: Infections, recurrent, with encephalopathy, hepatic dysfunction, and cardiovascular malformations; FADD DEFICIENCY. Identifiers: Orphanet 306550, MedGen C3151062, MONDO:0013408, OMIM 613759.

Allele frequency attached by ClinVar (database versions not stated): gnomAD exomes below 0.00001.

Submissions (2):

Neuberg Centre For Genomic Medicine, NCGM
Classification: Likely pathogenic for FADD-related immunodeficiency. Review status: criteria provided, single submitter. Criteria: ACMG Guidelines, 2015. Collection method: clinical testing. Allele origin: germline. Inheritance: Autosomal recessive inheritance. Affected: yes.
Comment: The missense variant c.315T>G p.Cys105Trp in the FADD gene has been reported previously in homozygous state in individuals affected with FADD Deficiency Savic et al., 2015; Bolze et al., 2010. Different amino acid change affecting codon 105 p.Cys105Arg is reported as a known pathogenic variant Kohn et al., 2020. The variant has 0.0003% allele frequency in gnomAD Exomes. It is submitted to ClinVar as Pathogenic. The amino acid Cys at position 105 is changed to a Trp changing protein sequence and it might alter its composition and physico-chemical properties. Multiple lines of computational evidence Polyphen - Damaging, SIFT - Damaging and MutationTaster - Disease causing predict a damaging effect on protein structure and function for this variant. The amino acid change p.Cys105Trp in FADD is predicted as conserved by GERP++ and PhyloP across 100 vertebrates. For these reasons, this variant has been classified as Likely Pathogenic.

OMIM
Classification: Pathogenic for IMMUNODEFICIENCY 90 WITH ENCEPHALOPATHY, FUNCTIONAL HYPOSPLENIA, AND HEPATIC DYSFUNCTION. Last evaluated: 2010-12-10. Review status: no assertion criteria provided. Collection method: literature only. Allele origin: germline. Not counted in ClinVar's aggregate classification.

Literature cited by the submitters: PubMed 21109225 (cited by OMIM); PubMed 25794656 (cited by OMIM).

NM_003824.4(FADD):c.315T>G (p.Cys105Trp)

Gene: FADD (Fas associated via death domain; plus strand). Cytogenetic location: 11q13.3.
Variant type: single nucleotide variant.
Coding change: c.315T>G on transcript NM_003824.4 (MANE Select); coding-DNA position 315, T replaced by G.
Protein change: p.Cys105Trp; replaces cysteine 105 with tryptophan.
Molecular consequence: missense variant.
Genome position (GRCh38, 1-based): chr11:70,206,161, T>G. VCF-style: chr11-70206161-T-G. GRCh37 (hg19) VCF-style: chr11-70052267-T-G.
Other names: short protein forms C105W.
Identifiers: ClinVar variation 30267 (VCV000030267.4), dbSNP rs387906839, ClinGen allele CA129077.